The following is an entry in ClinVar:

ClinVar aggregate classification (germline): Uncertain significance (1 of 4 stars; one submission).

Submission:

Labcorp Genetics (formerly Invitae), Labcorp
Classification: Uncertain significance. Last evaluated: 2022-07-12. Review status: criteria provided, single submitter. Criteria: Invitae Variant Classification Sherloc (09022015). Collection method: clinical testing. Allele origin: germline.
Comment: In summary, the available evidence is currently insufficient to determine the role of this variant in disease. Therefore, it has been classified as a Variant of Uncertain Significance. Algorithms developed to predict the effect of missense changes on protein structure and function are either unavailable or do not agree on the potential impact of this missense change (SIFT: "Not Available"; PolyPhen-2: "Benign"; Align-GVGD: "Not Available"). This variant has not been reported in the literature in individuals affected with USH1G-related conditions. This variant is not present in population databases (gnomAD no frequency). This sequence change replaces tryptophan, which is neutral and slightly polar, with arginine, which is basic and polar, at codon 267 of the USH1G protein (p.Trp267Arg).

NM_173477.5(USH1G):c.799T>C (p.Trp267Arg)

Gene: USH1G (USH1 protein network component sans; minus strand). Cytogenetic location: 17q25.1.
Variant type: single nucleotide variant.
Coding change: c.799T>C on transcript NM_173477.5 (MANE Select); coding-DNA position 799, T replaced by C.
Protein change: p.Trp267Arg; replaces tryptophan 267 with arginine.
Molecular consequence: missense variant.
Genome position (GRCh38, 1-based): chr17:74,920,037, A>G on the plus strand (T>C on the coding strand, the complement: USH1G is on the minus strand). VCF-style: chr17-74920037-A-G. GRCh37 (hg19) VCF-style: chr17-72916132-A-G.
Other names: c.490T>C, p.Trp164Arg (NM_001282489.3); short protein forms W164R, W267R.
Identifiers: ClinVar variation 2021867 (VCV002021867.4), dbSNP rs2544429679, ClinGen allele CA400963228.